The following is an entry in ClinVar:

ClinVar aggregate classification (germline): Uncertain significance (1 of 4 stars; one submission).

Conditions:
DNA ligase IV deficiency. Identifiers: Orphanet 99812, MedGen C1847827, MONDO:0011686, OMIM 606593.

Submission:

Labcorp Genetics (formerly Invitae), Labcorp
Classification: Uncertain significance for DNA ligase IV deficiency. Last evaluated: 2026-01-07. Review status: criteria provided, single submitter. Criteria: Invitae Variant Classification Sherloc (09022015). Collection method: clinical testing. Allele origin: germline.
Comment: This sequence change replaces glycine, which is neutral and non-polar, with aspartic acid, which is acidic and polar, at codon 472 of the LIG4 protein (p.Gly472Asp). This variant is not present in population databases (gnomAD no frequency). This variant has not been reported in the literature in individuals affected with LIG4-related conditions. Invitae Evidence Modeling of protein sequence and biophysical properties (such as structural, functional, and spatial information, amino acid conservation, physicochemical variation, residue mobility, and thermodynamic stability) indicates that this missense variant is expected to disrupt LIG4 protein function with a positive predictive value of 95%. In summary, the available evidence is currently insufficient to determine the role of this variant in disease. Therefore, it has been classified as a Variant of Uncertain Significance.

NM_206937.2(LIG4):c.1415G>A (p.Gly472Asp)

Gene: LIG4 (DNA ligase 4; minus strand). Cytogenetic location: 13q33.3.
Variant type: single nucleotide variant.
Coding change: c.1415G>A on transcript NM_206937.2 (MANE Select); coding-DNA position 1415, G replaced by A.
Protein change: p.Gly472Asp; replaces glycine 472 with aspartic acid.
Molecular consequence: missense variant.
Genome position (GRCh38, 1-based): chr13:108,209,854, C>T on the plus strand (G>A on the coding strand, the complement: LIG4 is on the minus strand). VCF-style: chr13-108209854-C-T. GRCh37 (hg19) VCF-style: chr13-108862202-C-T.
Other names: c.1415G>A, p.Gly472Asp (NM_001098268.2, NM_001352598.2, NM_001352599.2 and 6 more transcripts); c.1214G>A, p.Gly405Asp (NM_001330595.2); c.1451G>A, p.Gly484Asp (NM_001352604.2); short protein forms G405D, G484D, G472D.
Identifiers: ClinVar variation 4746017 (VCV004746017.1).